The following is an entry in ClinVar:

ClinVar aggregate classification (germline): Likely benign (0 of 4 stars; one submission).

Conditions:
CTR9-related disorder. Also called: CTR9-related condition.

Allele frequency attached by ClinVar (database versions not stated): gnomAD exomes 0.00001.

Submission:

PreventionGenetics, part of Exact Sciences
Classification: Likely benign for CTR9-related condition. Last evaluated: 2019-09-26. Review status: no assertion criteria provided. Collection method: clinical testing. Allele origin: germline.
Comment: This variant is classified as likely benign based on ACMG/AMP sequence variant interpretation guidelines (Richards et al. 2015 PMID: 25741868, with internal and published modifications).

NM_014633.5(CTR9):c.2109+7_2109+8del

Gene: CTR9 (CTR9 homolog, Paf1/RNA polymerase II complex component; plus strand). Cytogenetic location: 11p15.4.
Variant type: Deletion.
Coding change: c.2109+7_2109+8del on transcript NM_014633.5 (MANE Select); bases 7 to 8 of the intron after coding-DNA position 2109, 2 bases deleted (GC; older notation c.2109+7_2109+8delGC).
Molecular consequence: intron variant.
Genome position (GRCh38, 1-based): chr11:10,768,498-10,768,499, GC deleted. VCF-style (leftmost placement, unchanged base first): chr11-10768497-AGC-A. GRCh37 (hg19) VCF-style: chr11-10790044-AGC-A.
Other names: c.2109+7_2109+8del (NM_001346279.2).
Identifiers: ClinVar variation 3040741 (VCV003040741.2), dbSNP rs1255570622, ClinGen allele CA597902090.